The following is an entry in ClinVar:

ClinVar aggregate classification (germline): Uncertain significance. Review status: criteria provided, multiple submitters, no conflicts (2 of 4 stars). 2 submissions from 2 submitters: Uncertain significance (2). Last evaluated 2026-04-28.

Conditions:
HK1-related disorder. Also called: HK1-related condition; HK1-related disorders.

Allele frequency attached by ClinVar (database versions not stated): ExAC 0.00001; gnomAD 0.00003; TOPMed 0.00005; ESP Exome Variant Server 0.00008.
gnomAD v4.1: 8 of 1,612,912 alleles (0.0005%); highest among the groups gnomAD compares: African/African-American, 0.008%; no homozygotes.

Submissions (2):

PreventionGenetics, part of Exact Sciences
Classification: Uncertain significance for HK1-related condition. Last evaluated: 2026-04-28. Review status: criteria provided, single submitter. Criteria: ACMG Guidelines, 2015. Collection method: clinical testing. Allele origin: germline.
Comment: The HK1 c.589G>C variant is predicted to result in the amino acid substitution p.Gly197Arg. To our knowledge, this variant has not been reported in the literature. This variant is reported in 0.0062% of alleles in individuals of African descent in gnomAD. At this time, the clinical significance of this variant is uncertain due to the absence of conclusive functional and genetic evidence.

ARUP Laboratories, Molecular Genetics and Genomics, ARUP Laboratories
Classification: Uncertain significance. Last evaluated: 2023-07-26. Review status: criteria provided, single submitter. Criteria: ARUP Molecular Germline Variant Investigation Process 2024. Collection method: clinical testing. Allele origin: germline.

NM_000188.3(HK1):c.589G>C (p.Gly197Arg)

Gene: HK1 (hexokinase 1; plus strand). Cytogenetic location: 10q22.1.
Variant type: single nucleotide variant.
Coding change: c.589G>C on transcript NM_000188.3 (MANE Select); coding-DNA position 589, G replaced by C.
Protein change: p.Gly197Arg; replaces glycine 197 with arginine.
Molecular consequence: missense variant. On other transcripts: intron variant (1).
Genome position (GRCh38, 1-based): chr10:69,368,629, G>C. VCF-style: chr10-69368629-G-C. GRCh37 (hg19) VCF-style: chr10-71128385-G-C.
Other names: c.601G>C, p.Gly201Arg (NM_001322364.2, NM_001358263.1, NM_033497.3 and 1 more transcripts); c.694G>C, p.Gly232Arg (NM_001322365.2); c.505G>C, p.Gly169Arg (NM_001322366.1); c.586G>C, p.Gly196Arg (NM_033496.3); c.553G>C, p.Gly185Arg (NM_033500.2); c.496-608G>C (NM_001322367.1); c.589G>C (NM_000188.2); short protein forms G197R, G201R, G232R, G169R, G185R, G196R.
Identifiers: ClinVar variation 2920999 (VCV002920999.2), dbSNP rs138198944, ClinGen allele CA5532370.